The following is an entry in ClinVar:

NM_001041.4(SI):c.1103T>A (p.Val368Glu)

Gene: SI (sucrase-isomaltase; minus strand). Cytogenetic location: 3q26.1.
Variant type: single nucleotide variant.
Coding change: c.1103T>A on transcript NM_001041.4 (MANE Select); coding-DNA position 1103, T replaced by A.
Protein change: p.Val368Glu; replaces valine 368 with glutamic acid.
Molecular consequence: missense variant.
Genome position (GRCh38, 1-based): chr3:165,059,945, A>T on the plus strand (T>A on the coding strand, the complement: SI is on the minus strand). VCF-style: chr3-165059945-A-T. GRCh37 (hg19) VCF-style: chr3-164777733-A-T.
Other names: short protein forms V368E.
Identifiers: ClinVar variation 1470189 (VCV001470189.8), dbSNP rs1713907068, ClinGen allele CA355030245.

ClinVar aggregate classification (germline): Uncertain significance (1 of 4 stars; one submission).

Allele frequency attached by ClinVar (database versions not stated): gnomAD 0.00001.

Submission:

Labcorp Genetics (formerly Invitae), Labcorp
Classification: Uncertain significance. Last evaluated: 2022-09-01. Review status: criteria provided, single submitter. Criteria: Invitae Variant Classification Sherloc (09022015). Collection method: clinical testing. Allele origin: germline.
Comment: This variant is not present in population databases (gnomAD no frequency). This sequence change replaces valine, which is neutral and non-polar, with glutamic acid, which is acidic and polar, at codon 368 of the SI protein (p.Val368Glu). This variant has not been reported in the literature in individuals affected with SI-related conditions. In summary, the available evidence is currently insufficient to determine the role of this variant in disease. Therefore, it has been classified as a Variant of Uncertain Significance. Advanced modeling of protein sequence and biophysical properties (such as structural, functional, and spatial information, amino acid conservation, physicochemical variation, residue mobility, and thermodynamic stability) performed at Invitae indicates that this missense variant is expected to disrupt SI protein function. ClinVar contains an entry for this variant (Variation ID: 1470189).